The following is an entry in ClinVar:

ClinVar aggregate classification (germline): Uncertain significance. Review status: criteria provided, multiple submitters, no conflicts (2 of 4 stars). 3 submissions from 3 submitters: Uncertain significance (3). Last evaluated 2024-11-10.

Conditions:
Jeune thoracic dystrophy. Also called: Jeune syndrome; Infantile thoracic dystrophy; Thoracic pelvic phalangeal dystrophy; Jeune's syndrome; Chondroectodermal dysplasia-like syndrome; Short-rib thoracic dysplasia. Identifiers: Orphanet 474, MedGen C0265275, MONDO:0018770.
Inborn genetic diseases. Identifiers: MedGen C0950123, MeSH D030342.

gnomAD v4.1: 18 of 1,610,240 alleles (0.0011%); highest among the groups gnomAD compares: African/African-American, 0.023%; no homozygotes.

Submissions (3):

Ambry Genetics
Classification: Uncertain significance for Inborn genetic diseases. Last evaluated: 2024-11-10. Review status: criteria provided, single submitter. Criteria: Ambry Variant Classification Scheme 2023. Collection method: clinical testing. Allele origin: germline.

Labcorp Genetics (formerly Invitae), Labcorp
Classification: Uncertain significance for Jeune thoracic dystrophy. Last evaluated: 2024-09-26. Review status: criteria provided, single submitter. Criteria: Invitae Variant Classification Sherloc (09022015). Collection method: clinical testing. Allele origin: germline.
Comment: This sequence change replaces valine, which is neutral and non-polar, with isoleucine, which is neutral and non-polar, at codon 896 of the DYNC2H1 protein (p.Val896Ile). This variant is present in population databases (rs764028036, gnomAD 0.02%). This variant has not been reported in the literature in individuals affected with DYNC2H1-related conditions. Invitae Evidence Modeling of protein sequence and biophysical properties (such as structural, functional, and spatial information, amino acid conservation, physicochemical variation, residue mobility, and thermodynamic stability) indicates that this missense variant is not expected to disrupt DYNC2H1 protein function with a negative predictive value of 95%. In summary, the available evidence is currently insufficient to determine the role of this variant in disease. Therefore, it has been classified as a Variant of Uncertain Significance.

Blueprint Genetics
Classification: Uncertain significance. Last evaluated: 2022-06-27. Review status: criteria provided, single submitter. Criteria: ACMG Guidelines, 2015. Collection method: clinical testing. Allele origin: germline.

NM_001377.3(DYNC2H1):c.2686G>A (p.Val896Ile)

Gene: DYNC2H1 (dynein cytoplasmic 2 heavy chain 1; plus strand). Cytogenetic location: 11q22.3.
Variant type: single nucleotide variant.
Coding change: c.2686G>A on transcript NM_001377.3 (MANE Select); coding-DNA position 2686, G replaced by A.
Protein change: p.Val896Ile; replaces valine 896 with isoleucine.
Molecular consequence: missense variant.
Genome position (GRCh38, 1-based): chr11:103,143,379, G>A. VCF-style: chr11-103143379-G-A. GRCh37 (hg19) VCF-style: chr11-103014108-G-A.
Other names: c.2686G>A, p.Val896Ile (NM_001080463.2); short protein forms V896I.
Identifiers: ClinVar variation 3506050 (VCV003506050.4).
Genomic context (GRCh38, chr11:103,143,379, plus strand): 5'-CTTTTTACTGTACATGATTGGGAGAAAAATTTTAAAGCATTAAAAATAAAGGGGAAAGAA[G>A]TAGAACGACTTCCAAGGTATTGGAGGTTAATGTAGTACTTACGTACCATAATAATTTTTT-3'
Protein context (NP_001368.2, residues 886-906): FKALKIKGKE[Val896Ile]ERLPSAVKVD